The following is an entry in ClinVar:

ClinVar aggregate classification (germline): Likely benign. Review status: criteria provided, multiple submitters, no conflicts (2 of 4 stars). 3 submissions from 3 submitters: Likely benign (2). 1 of the submissions does not count toward it. Last evaluated 2025-12-23.

Conditions:
PKD2-related disorder. Also called: PKD2-related condition.
Autosomal dominant polycystic kidney disease. Identifiers: Orphanet 730, MedGen C0085413, MONDO:0004691.

Allele frequency attached by ClinVar (database versions not stated): ExAC 0.00003; gnomAD exomes 0.00003; 1000 Genomes Project 30x 0.00016; 1000 Genomes Project 0.00020.
gnomAD v4.1: 228 of 1,613,248 alleles (0.014%); highest among the groups gnomAD compares: Non-Finnish European, 0.018%; no homozygotes.

Submissions (3):

Labcorp Genetics (formerly Invitae), Labcorp
Classification: Likely benign for Autosomal dominant polycystic kidney disease. Last evaluated: 2025-12-23. Review status: criteria provided, single submitter. Criteria: Invitae Variant Classification Sherloc (09022015). Collection method: clinical testing. Allele origin: germline.

Women's Health and Genetics/Laboratory Corporation of America, LabCorp
Classification: Likely benign. Last evaluated: 2025-09-02. Review status: criteria provided, single submitter. Criteria: LabCorp Variant Classification Summary - May 2015. Collection method: clinical testing. Allele origin: germline.

PreventionGenetics, part of Exact Sciences
Classification: Likely benign for PKD2-related condition. Last evaluated: 2024-09-06. Review status: no assertion criteria provided. Collection method: clinical testing. Allele origin: germline. Not counted in ClinVar's aggregate classification.
Comment: This variant is classified as likely benign based on ACMG/AMP sequence variant interpretation guidelines (Richards et al. 2015 PMID: 25741868, with internal and published modifications).

NM_000297.4(PKD2):c.2313C>T (p.Thr771=)

Gene: PKD2 (polycystin 2, transient receptor potential cation channel; plus strand). Cytogenetic location: 4q22.1.
Variant type: single nucleotide variant.
Coding change: c.2313C>T on transcript NM_000297.4 (MANE Select); coding-DNA position 2313, C replaced by T.
Protein change: p.Thr771=; no amino-acid change (threonine 771 retained).
Molecular consequence: synonymous variant. On other transcripts: non-coding transcript variant (1).
Genome position (GRCh38, 1-based): chr4:88,065,834, C>T. VCF-style: chr4-88065834-C-T. GRCh37 (hg19) VCF-style: chr4-88986986-C-T.
Other names: c.2313C>T (NM_000297.3).
Identifiers: ClinVar variation 1581472 (VCV001581472.10), dbSNP rs544014723, ClinGen allele CA3004203.